The following is an entry in ClinVar:

ClinVar aggregate classification (germline): Pathogenic (1 of 4 stars; one submission).

Conditions:
Duchenne muscular dystrophy (DMD). Also called: MUSCULAR DYSTROPHY, PSEUDOHYPERTROPHIC PROGRESSIVE, DUCHENNE TYPE; Duchenne Muscular Dystrophy (DMD). Identifiers: Orphanet 98896, MedGen C0013264, MONDO:0010679, OMIM 310200.

Submission:

Labcorp Genetics (formerly Invitae), Labcorp
Classification: Pathogenic for Duchenne muscular dystrophy. Last evaluated: 2017-07-19. Review status: criteria provided, single submitter. Criteria: Invitae Variant Classification Sherloc (09022015). Collection method: clinical testing. Allele origin: germline.
Comment: For these reasons, this variant has been classified as Pathogenic. Loss-of-function variants in DMD are known to be pathogenic (PMID: 16770791, 25007885). This variant has not been reported in the literature in individuals with DMD-related disease. This variant is not present in population databases (ExAC no frequency). This sequence change creates a premature translational stop signal (p.Gln492Hisfs*9) in the DMD gene. It is expected to result in an absent or disrupted protein product.

Literature cited by the submitters: PubMed 16770791; PubMed 25007885.

NM_004006.3(DMD):c.1476del (p.Gln492fs)

Gene: DMD (dystrophin; minus strand). Cytogenetic location: Xp21.1.
Variant type: Deletion.
Coding change: c.1476del on transcript NM_004006.3 (MANE Select); coding-DNA position 1476, one base deleted (A; older notation c.1476delA).
Protein change: p.Gln492fs; shifts the reading frame from glutamine 492.
Molecular consequence: frameshift variant.
Genome position (GRCh38, 1-based): chrX:32,614,309, T deleted on the plus strand (A on the coding strand, the reverse complement: DMD is on the minus strand); the first of 2 consecutive T bases (chrX:32,614,309-32,614,310); deleting either gives the same sequence. VCF-style (leftmost placement, unchanged base first): chrX-32614308-GT-G. GRCh37 (hg19) VCF-style: chrX-32632425-GT-G.
Other names: c.1452del, p.Gln484fs (NM_000109.4); c.1464del, p.Gln488fs (NM_004009.3); c.1107del, p.Gln369fs (NM_004010.3); c.1476delA (NM_004006.2); short protein forms Q488fs, Q369fs, Q484fs, Q492fs.
Identifiers: ClinVar variation 455863 (VCV000455863.7), dbSNP rs1556853039, ClinGen allele CA658658967.